The following is an entry in ClinVar:

NM_003238.6(TGFB2):c.249C>G (p.Ser83Arg)

Gene: TGFB2 (transforming growth factor beta 2; plus strand). Cytogenetic location: 1q41.
Variant type: single nucleotide variant.
Coding change: c.249C>G on transcript NM_003238.6 (MANE Select); coding-DNA position 249, C replaced by G.
Protein change: p.Ser83Arg; replaces serine 83 with arginine.
Molecular consequence: missense variant. On other transcripts: non-coding transcript variant (2).
Genome position (GRCh38, 1-based): chr1:218,346,950, C>G. VCF-style: chr1-218346950-C-G. GRCh37 (hg19) VCF-style: chr1-218520292-C-G.
Other names: c.249C>G, p.Ser83Arg (NM_001135599.4); short protein forms S83R.
Identifiers: ClinVar variation 4697648 (VCV004697648.1).
Genomic context (GRCh38, chr1:218,346,950, plus strand): 5'-CCCCCCGGAGGTGATTTCCATCTACAACAGCACCAGGGACTTGCTCCAGGAGAAGGCGAG[C>G]CGGAGGGCGGCCGCCTGCGAGCGCGAGAGGAGCGACGAAGAGTACTACGCCAAGGAGGTT-3'
Protein context (NP_003229.1, residues 73-93): STRDLLQEKA[Ser83Arg]RRAAACERER

ClinVar aggregate classification (germline): Uncertain significance (1 of 4 stars; one submission).

Conditions:
Loeys-Dietz syndrome 4 (LDS4). Also called: TGFB2-Related Loeys-Dietz Syndrome; ANEURYSM, AORTIC AND CEREBRAL, WITH ARTERIAL TORTUOSITY AND SKELETAL MANIFESTATIONS. Identifiers: MedGen C3553762, MONDO:0013897, OMIM 614816.

gnomAD v4.1: 2 of 1,614,014 alleles (0.00012%); highest among the groups gnomAD compares: Non-Finnish European, 0.000085%; no homozygotes.

Submission:

Labcorp Genetics (formerly Invitae), Labcorp
Classification: Uncertain significance for Loeys-Dietz syndrome 4. Last evaluated: 2025-04-18. Review status: criteria provided, single submitter. Criteria: Invitae Variant Classification Sherloc (09022015). Collection method: clinical testing. Allele origin: germline.
Comment: This sequence change replaces serine, which is neutral and polar, with arginine, which is basic and polar, at codon 83 of the TGFB2 protein (p.Ser83Arg). This variant is present in population databases (rs757596095, gnomAD 0.002%). This variant has not been reported in the literature in individuals affected with TGFB2-related conditions. Invitae Evidence Modeling of protein sequence and biophysical properties (such as structural, functional, and spatial information, amino acid conservation, physicochemical variation, residue mobility, and thermodynamic stability) indicates that this missense variant is not expected to disrupt TGFB2 protein function with a negative predictive value of 95%. In summary, the available evidence is currently insufficient to determine the role of this variant in disease. Therefore, it has been classified as a Variant of Uncertain Significance.